The following is an entry in ClinVar:

NM_014714.4(IFT140):c.3250_3253dup (p.Val1085fs)

Gene: IFT140 (intraflagellar transport 140; minus strand). Cytogenetic location: 16p13.3.
Variant type: Duplication.
Coding change: c.3250_3253dup on transcript NM_014714.4 (MANE Select); coding-DNA positions 3250 to 3253, 4 bases duplicated (GCGG; older notation c.3250_3253dupGCGG).
Protein change: p.Val1085fs; shifts the reading frame from valine 1085.
Molecular consequence: frameshift variant.
Genome position (GRCh38, 1-based): chr16:1,523,845-1,523,848, CCGC duplicated on the plus strand (GCGG on the coding strand, the reverse complement: IFT140 is on the minus strand); duplicating any 4 consecutive bases within chr16:1,523,845-1,523,850 gives the same sequence; the c. name uses the placement nearest the transcript's 3' end. VCF-style (leftmost placement, unchanged base first): chr16-1523844-A-ACCGC. GRCh37 (hg19) VCF-style: chr16-1573845-A-ACCGC.
Other names: short protein forms V1085fs.
Identifiers: ClinVar variation 372916 (VCV000372916.11), dbSNP rs766084603, ClinGen allele CA7813238.

ClinVar aggregate classification (germline): Pathogenic/Likely pathogenic. Review status: criteria provided, multiple submitters, no conflicts (2 of 4 stars). 4 submissions from 4 submitters: Pathogenic (1); Likely pathogenic (3). Last evaluated 2025-04-16.

Conditions:
Saldino-Mainzer syndrome (SRTD9). Also called: CONORENAL SYNDROME; Renal dysplasia, retinal pigmentary dystrophy, cerebellar ataxia and skeletal dysplasia; SHORT-RIB THORACIC DYSPLASIA 9 WITHOUT POLYDACTYLY; short-rib thoracic dysplasia 9 with or without polydactyly. Identifiers: Orphanet 140969, MedGen C1849437, MONDO:0009964, OMIM 266920.
IFT140-related disorders.
Retinitis pigmentosa 80 (RP80). Identifiers: MedGen C4540439, MONDO:0054708, OMIM 617781.

Submissions (4):

Labcorp Genetics (formerly Invitae), Labcorp
Classification: Pathogenic for Saldino-Mainzer syndrome. Last evaluated: 2025-04-16. Review status: criteria provided, single submitter. Criteria: Invitae Variant Classification Sherloc (09022015). Collection method: clinical testing. Allele origin: germline.
Comment: This sequence change creates a premature translational stop signal (p.Val1085Glyfs*36) in the IFT140 gene. It is expected to result in an absent or disrupted protein product. Loss-of-function variants in IFT140 are known to be pathogenic (PMID: 22503633, 23418020, 24009529, 26216056). This variant is present in population databases (rs766084603, gnomAD 0.003%). This variant has not been reported in the literature in individuals affected with IFT140-related conditions. ClinVar contains an entry for this variant (Variation ID: 372916). For these reasons, this variant has been classified as Pathogenic.

Fulgent Genetics
Classification: Likely pathogenic for Saldino-Mainzer syndrome; Retinitis pigmentosa 80. Last evaluated: 2024-06-06. Review status: criteria provided, single submitter. Criteria: ACMG Guidelines, 2015. Collection method: clinical testing. Allele origin: germline.

Blueprint Genetics
Classification: Likely pathogenic for IFT140-related disorders. Last evaluated: 2023-03-06. Review status: criteria provided, single submitter. Criteria: ACMG Guidelines, 2015. Collection method: clinical testing. Allele origin: germline. Affected: yes. Observed: 1 variant allele.

GeneDx
Classification: Likely pathogenic. Last evaluated: 2016-10-27. Review status: criteria provided, single submitter. Criteria: GeneDx Variant Classification (06012015). Collection method: clinical testing. Allele origin: germline. Affected: yes.
Comment: The c.3250_3253dupGCGG variant in the IFT140 gene has not been reported previously as a pathogenic variant nor as a benign variant, to our knowledge. The c.3250_3253dupGCGG variant causes a frameshift starting with codon Valine 1085, changes this amino acid to a Glycine residue, and creates a premature Stop codon at position 36 of the new reading frame, denoted p.Val1085GlyfsX36. This variant is predicted to cause loss of normal protein function either through protein truncation or nonsense-mediated mRNA decay. The c.3250_3253dupGCGG variant was not observed in approximately 6,500 individuals of European and African American ancestry in the NHLBI Exome Sequencing Project, indicating it is not a common benign variant in these populations. The c.3250_3253dupGCGG variant is a strong candidate for a pathogenic variant, however the possibility it may be a rare benign variant cannot be excluded.

Literature cited by the submitters: PubMed 22503633 (cited by Labcorp Genetics (formerly Invitae), Labcorp); PubMed 23418020 (cited by Labcorp Genetics (formerly Invitae), Labcorp); PubMed 24009529 (cited by Labcorp Genetics (formerly Invitae), Labcorp); PubMed 26216056 (cited by Labcorp Genetics (formerly Invitae), Labcorp).